The following is an entry in ClinVar:

NM_213599.3(ANO5):c.2579A>C (p.Asp860Ala)

Gene: ANO5 (anoctamin 5; plus strand). Cytogenetic location: 11p14.3.
Variant type: single nucleotide variant.
Coding change: c.2579A>C on transcript NM_213599.3 (MANE Select); coding-DNA position 2579, A replaced by C.
Protein change: p.Asp860Ala; replaces aspartic acid 860 with alanine.
Molecular consequence: missense variant.
Genome position (GRCh38, 1-based): chr11:22,279,602, A>C. VCF-style: chr11-22279602-A-C. GRCh37 (hg19) VCF-style: chr11-22301148-A-C.
Other names: c.2576A>C, p.Asp859Ala (NM_001142649.2); c.2537A>C, p.Asp846Ala (NM_001410963.1); c.2534A>C, p.Asp845Ala (NM_001410964.1); short protein forms D845A, D846A, D859A, D860A.
Identifiers: ClinVar variation 3753742 (VCV003753742.2).

ClinVar aggregate classification (germline): Uncertain significance (1 of 4 stars; one submission).

Conditions:
Gnathodiaphyseal dysplasia (GDD). Also called: GNATHODIAPHYSEAL SCLEROSIS; OSTEOGENESIS IMPERFECTA WITH UNUSUAL SKELETAL LESIONS. Identifiers: Orphanet 53697, MedGen C1833736, MONDO:0008151, OMIM 166260.
Autosomal recessive limb-girdle muscular dystrophy type 2L (LGMDR12). Also called: Limb-girdle muscular dystrophy, type 2L; MUSCULAR DYSTROPHY, LIMB-GIRDLE, AUTOSOMAL RECESSIVE 12; Limb-Girdle Muscular Dystrophy R12 Anoctamin-5-Related (LGMD-R12). Identifiers: Orphanet 206549, MedGen C1969785, MONDO:0012652, OMIM 611307.

Submission:

Labcorp Genetics (formerly Invitae), Labcorp
Classification: Uncertain significance for Autosomal recessive limb-girdle muscular dystrophy type 2L; Gnathodiaphyseal dysplasia. Last evaluated: 2025-10-21. Review status: criteria provided, single submitter. Criteria: Invitae Variant Classification Sherloc (09022015). Collection method: clinical testing. Allele origin: germline.
Comment: This sequence change replaces aspartic acid, which is acidic and polar, with alanine, which is neutral and non-polar, at codon 860 of the ANO5 protein (p.Asp860Ala). This variant is not present in population databases (gnomAD no frequency). This variant has not been reported in the literature in individuals affected with ANO5-related conditions. ClinVar contains an entry for this variant (Variation ID: 3753742). Invitae Evidence Modeling of protein sequence and biophysical properties (such as structural, functional, and spatial information, amino acid conservation, physicochemical variation, residue mobility, and thermodynamic stability) has been performed for this missense variant. However, the output from this modeling did not meet the statistical confidence thresholds required to predict the impact of this variant on ANO5 protein function. In summary, the available evidence is currently insufficient to determine the role of this variant in disease. Therefore, it has been classified as a Variant of Uncertain Significance.